The following is an entry in ClinVar:

ClinVar aggregate classification (germline): Uncertain significance (1 of 4 stars; one submission).

Conditions:
Immunodeficiency, common variable, 7. Identifiers: Orphanet 1572, Orphanet 696894, MedGen C3542922, MONDO:0013862, OMIM 614699.

Allele frequency attached by ClinVar (database versions not stated): gnomAD exomes 0.00001; ExAC 0.00001; TOPMed 0.00002; gnomAD 0.00003; ESP Exome Variant Server 0.00008.
gnomAD v4.1: 31 of 1,613,906 alleles (0.0019%); highest among the groups gnomAD compares: Non-Finnish European, 0.0025%; no homozygotes.

Submission:

Labcorp Genetics (formerly Invitae), Labcorp
Classification: Uncertain significance for Immunodeficiency, common variable, 7. Last evaluated: 2021-08-27. Review status: criteria provided, single submitter. Criteria: Invitae Variant Classification Sherloc (09022015). Collection method: clinical testing. Allele origin: germline.
Comment: This sequence change replaces cysteine with tyrosine at codon 704 of the CR2 protein (p.Cys704Tyr). The cysteine residue is weakly conserved and there is a large physicochemical difference between cysteine and tyrosine. This variant is present in population databases (rs374563684, ExAC 0.001%). This variant has not been reported in the literature in individuals affected with CR2-related conditions. Algorithms developed to predict the effect of missense changes on protein structure and function are either unavailable or do not agree on the potential impact of this missense change (SIFT: "Deleterious"; PolyPhen-2: "Probably Damaging"; Align-GVGD: "Class C0"). In summary, the available evidence is currently insufficient to determine the role of this variant in disease. Therefore, it has been classified as a Variant of Uncertain Significance.

NM_001006658.3(CR2):c.2111G>A (p.Cys704Tyr)

Gene: CR2 (complement C3d receptor 2; plus strand). Cytogenetic location: 1q32.2.
Variant type: single nucleotide variant.
Coding change: c.2111G>A on transcript NM_001006658.3 (MANE Select); coding-DNA position 2111, G replaced by A.
Protein change: p.Cys704Tyr; replaces cysteine 704 with tyrosine.
Molecular consequence: missense variant. On other transcripts: intron variant (1).
Genome position (GRCh38, 1-based): chr1:207,473,677, G>A. VCF-style: chr1-207473677-G-A. GRCh37 (hg19) VCF-style: chr1-207647022-G-A.
Other names: c.1979-124G>A (NM_001877.5); short protein forms C704Y.
Identifiers: ClinVar variation 842844 (VCV000842844.7), dbSNP rs374563684, ClinGen allele CA1368881.